The following is an entry in ClinVar:

NM_006231.4(POLE):c.718G>A (p.Val240Met)

Gene: POLE (DNA polymerase epsilon, catalytic subunit; minus strand). Cytogenetic location: 12q24.33.
Variant type: single nucleotide variant.
Coding change: c.718G>A on transcript NM_006231.4 (MANE Select); coding-DNA position 718, G replaced by A.
Protein change: p.Val240Met; replaces valine 240 with methionine.
Molecular consequence: missense variant.
Genome position (GRCh38, 1-based): chr12:132,677,580, C>T on the plus strand (G>A on the coding strand, the complement: POLE is on the minus strand). VCF-style: chr12-132677580-C-T. GRCh37 (hg19) VCF-style: chr12-133254166-C-T.
Other names: short protein forms V240M.
Identifiers: ClinVar variation 240624 (VCV000240624.30), dbSNP rs371882716, ClinGen allele CA6894229.

ClinVar aggregate classification (germline): Uncertain significance. Review status: criteria provided, multiple submitters, no conflicts (2 of 4 stars). 7 submissions from 7 submitters: Uncertain significance (7). Last evaluated 2026-01-20.

Conditions:
Intrauterine growth retardation, metaphyseal dysplasia, adrenal hypoplasia congenita, genital anomalies, and immunodeficiency. Also called: IMAGEI SYNDROME. Identifiers: MedGen C5193036, MONDO:0032684, OMIM 618336.
Facial dysmorphism-immunodeficiency-livedo-short stature syndrome. Also called: FILS syndrome; Facial dysmorphism, immunodeficiency, livedo, and short stature. Identifiers: Orphanet 352712, MedGen C3554576, MONDO:0014058, OMIM 615139.
Colorectal cancer, susceptibility to, 12 (CRCS12). Also called: COLORECTAL CANCER, SUSCEPTIBILITY TO, ON CHROMOSOME 12q24. Identifiers: Orphanet 220460, MedGen C3554460, MONDO:0014038, OMIM 615083.
Hereditary cancer-predisposing syndrome. Also called: Tumor predisposition; Hereditary Cancer Syndrome; Neoplastic Syndromes, Hereditary; Hereditary neoplastic syndrome. Identifiers: Orphanet 140162, MedGen C0027672, MeSH D009386, MONDO:0015356.

Allele frequency attached by ClinVar (database versions not stated): TOPMed 0.00003; gnomAD 0.00010; ESP Exome Variant Server 0.00015.
gnomAD v4.1: 72 of 1,614,156 alleles (0.0045%); highest among the groups gnomAD compares: Non-Finnish European, 0.0052%; no homozygotes.

Submissions (7):

Labcorp Genetics (formerly Invitae), Labcorp
Classification: Uncertain significance. Last evaluated: 2026-01-20. Review status: criteria provided, single submitter. Criteria: Invitae Variant Classification Sherloc (09022015). Collection method: clinical testing. Allele origin: germline.
Comment: This sequence change replaces valine, which is neutral and non-polar, with methionine, which is neutral and non-polar, at codon 240 of the POLE protein (p.Val240Met). This variant is present in population databases (rs371882716, gnomAD 0.01%). This variant has not been reported in the literature in individuals affected with POLE-related conditions. ClinVar contains an entry for this variant (Variation ID: 240624). An algorithm developed to predict the effect of missense changes on protein structure and function (PolyPhen-2) suggests that this variant is likely to be disruptive. In summary, the available evidence is currently insufficient to determine the role of this variant in disease. Therefore, it has been classified as a Variant of Uncertain Significance.

Center for Genomic Medicine, Rigshospitalet, Copenhagen University Hospital
Classification: Uncertain significance. Last evaluated: 2025-12-29. Review status: criteria provided, single submitter. Criteria: ACMG Guidelines, 2015. Collection method: clinical testing. Allele origin: germline.

CeGaT Center for Human Genetics Tuebingen
Classification: Uncertain significance. Last evaluated: 2025-09-01. Review status: criteria provided, single submitter. Criteria: CeGaT Center For Human Genetics Tuebingen Variant Classification Criteria Version 2. Collection method: clinical testing. Allele origin: germline. Affected: yes. Observed: 1 variant allele.

Ambry Genetics
Classification: Uncertain significance for Hereditary cancer-predisposing syndrome. Last evaluated: 2024-12-17. Review status: criteria provided, single submitter. Criteria: Ambry Variant Classification Scheme 2023. Collection method: clinical testing. Allele origin: germline.
Comment: The p.V240M variant (also known as c.718G>A), located in coding exon 7 of the POLE gene, results from a G to A substitution at nucleotide position 718. The valine at codon 240 is replaced by methionine, an amino acid with highly similar properties. This amino acid position is highly conserved in available vertebrate species. In addition, this alteration is predicted to be tolerated by in silico analysis. Based on the available evidence, the clinical significance of this variant remains unclear.

Fulgent Genetics
Classification: Uncertain significance for Colorectal cancer, susceptibility to, 12; Facial dysmorphism-immunodeficiency-livedo-short stature syndrome; Intrauterine growth retardation, metaphyseal dysplasia, adrenal hypoplasia congenita, genital anomalies, and immunodeficiency. Last evaluated: 2024-02-29. Review status: criteria provided, single submitter. Criteria: ACMG Guidelines, 2015. Collection method: clinical testing. Allele origin: germline.

Clinical Genetics Laboratory, Skane University Hospital Lund
Classification: Uncertain significance. Last evaluated: 2024-01-23. Review status: criteria provided, single submitter. Criteria: ACMG Guidelines, 2015. Collection method: clinical testing. Allele origin: germline. Affected: yes.

GeneDx
Classification: Uncertain significance. Last evaluated: 2023-09-27. Review status: criteria provided, single submitter. Criteria: GeneDx Variant Classification Process June 2021. Collection method: clinical testing. Allele origin: germline. Affected: yes.
Comment: In silico analysis supports that this missense variant does not alter protein structure/function; Has not been previously published as pathogenic or benign to our knowledge; This variant is associated with the following publications: (PMID: 23525077, 26251183, 29273096)